The following is an entry in ClinVar:

NM_001378964.1(CDON):c.3505G>A (p.Gly1169Ser)

Gene: CDON (cell adhesion associated, oncogene regulated; minus strand). Cytogenetic location: 11q24.2.
Variant type: single nucleotide variant.
Coding change: c.3505G>A on transcript NM_001378964.1 (MANE Select); coding-DNA position 3505, G replaced by A.
Protein change: p.Gly1169Ser; replaces glycine 1169 with serine.
Molecular consequence: missense variant.
Genome position (GRCh38, 1-based): chr11:125,961,850, C>T on the plus strand (G>A on the coding strand, the complement: CDON is on the minus strand). VCF-style: chr11-125961850-C-T. GRCh37 (hg19) VCF-style: chr11-125831745-C-T.
Other names: c.3505G>A, p.Gly1169Ser (NM_001243597.3, NM_016952.6); short protein forms G1169S.
Identifiers: ClinVar variation 2628389 (VCV002628389.1), dbSNP rs2496876992, ClinGen allele CA383213363.

ClinVar aggregate classification (germline): Uncertain significance (1 of 4 stars; one submission).

Conditions:
CDON-related disorder. Also called: CDON-related condition.

Submission:

PreventionGenetics, part of Exact Sciences
Classification: Uncertain significance for CDON-related condition. Last evaluated: 2022-10-15. Review status: criteria provided, single submitter. Criteria: ACMG Guidelines, 2015. Collection method: clinical testing. Allele origin: germline.
Comment: The CDON c.3505G>A variant is predicted to result in the amino acid substitution p.Gly1169Ser. To our knowledge, this variant has not been reported in the literature or in a large population database, indicating this variant is rare. At this time, the clinical significance of this variant is uncertain due to the absence of conclusive functional and genetic evidence.